The following is an entry in ClinVar:

ClinVar aggregate classification (germline): Likely pathogenic (1 of 4 stars; one submission).

Conditions:
Deficiency of galactokinase. Also called: GALACTOSEMIA II; Galactokinase deficiency with cataracts. Identifiers: Orphanet 352, Orphanet 79237, MedGen C0268155, MONDO:0009255, OMIM 230200.

Submission:

Myriad Genetics, Inc.
Classification: Likely pathogenic for Deficiency of galactokinase. Last evaluated: 2020-04-19. Review status: criteria provided, single submitter. Criteria: Myriad Women's Health Autosomal Recessive and X-Linked Classification Criteria (2019). Collection method: clinical testing. Allele origin: unknown.
Comment: NM_000154.1(GALK1):c.479C>A(S160*) is expected to be pathogenic in the context of galactokinase deficiency. This variant is predicted to lead to an abnormal or absent protein product due to the creation of a premature termination codon in GALK1, a gene where loss-of-function variants are known to be pathogenic. Please note: this variant was assessed in the context of healthy population screening.

NM_000154.2(GALK1):c.479C>A (p.Ser160Ter)

Gene: GALK1 (galactokinase 1; minus strand). Cytogenetic location: 17q25.1.
Variant type: single nucleotide variant.
Coding change: c.479C>A on transcript NM_000154.2 (MANE Select); coding-DNA position 479, C replaced by A.
Protein change: p.Ser160Ter; replaces serine 160 with a stop codon.
Molecular consequence: nonsense.
Genome position (GRCh38, 1-based): chr17:75,763,146, G>T on the plus strand (C>A on the coding strand, the complement: GALK1 is on the minus strand). VCF-style: chr17-75763146-G-T. GRCh37 (hg19) VCF-style: chr17-73759227-G-T.
Other names: c.479C>A, p.Ser160Ter (NM_001381985.1); short protein forms S160*.
Identifiers: ClinVar variation 983816 (VCV000983816.3), dbSNP rs575077063, ClinGen allele CA401104809.